The following is an entry in ClinVar:

ClinVar aggregate classification (germline): Uncertain significance (1 of 4 stars; one submission).

Conditions:
Dilated Cardiomyopathy, Recessive.

Allele frequency attached by ClinVar (database versions not stated): gnomAD 0.00004 and 0.00005; gnomAD exomes 0.00009; TOPMed 0.00009; ExAC 0.00014; 1000 Genomes Project 0.00020; 1000 Genomes Project 30x 0.00031.
gnomAD v4.1: 54 of 1,605,130 alleles (0.0034%); highest among the groups gnomAD compares: East Asian, 0.094%; no homozygotes.

Submission:

Labcorp Genetics (formerly Invitae), Labcorp
Classification: Uncertain significance. Last evaluated: 2024-08-13. Review status: criteria provided, single submitter. Criteria: Invitae Variant Classification Sherloc (09022015). Collection method: clinical testing. Allele origin: germline.
Comment: This sequence change replaces leucine, which is neutral and non-polar, with valine, which is neutral and non-polar, at codon 393 of the PLEKHM2 protein (p.Leu393Val). This variant is present in population databases (rs374197596, gnomAD 0.1%), and has an allele count higher than expected for a pathogenic variant. This variant has not been reported in the literature in individuals affected with PLEKHM2-related conditions. ClinVar contains an entry for this variant (Variation ID: 846773). An algorithm developed to predict the effect of missense changes on protein structure and function (PolyPhen-2) suggests that this variant is likely to be disruptive. In summary, the available evidence is currently insufficient to determine the role of this variant in disease. Therefore, it has been classified as a Variant of Uncertain Significance.

NM_015164.4(PLEKHM2):c.1177C>G (p.Leu393Val)

Gene: PLEKHM2 (pleckstrin homology and RUN domain containing M2; plus strand). Cytogenetic location: 1p36.21.
Variant type: single nucleotide variant.
Coding change: c.1177C>G on transcript NM_015164.4 (MANE Select); coding-DNA position 1177, C replaced by G.
Protein change: p.Leu393Val; replaces leucine 393 with valine.
Molecular consequence: missense variant.
Genome position (GRCh38, 1-based): chr1:15,727,249, C>G. VCF-style: chr1-15727249-C-G. GRCh37 (hg19) VCF-style: chr1-16053744-C-G.
Other names: short protein forms L393V.
Identifiers: ClinVar variation 846773 (VCV000846773.7), dbSNP rs374197596, ClinGen allele CA616884.